The following is an entry in ClinVar:

ClinVar aggregate classification (germline): Uncertain significance. Review status: criteria provided, multiple submitters, no conflicts (2 of 4 stars). 3 submissions from 3 submitters: Uncertain significance (3). Last evaluated 2025-11-23.

Conditions:
Developmental and epileptic encephalopathy, 66. Also called: EPILEPTIC ENCEPHALOPATHY, EARLY INFANTILE, 66. Identifiers: MedGen C4748070, MONDO:0054845, OMIM 618067.

Allele frequency attached by ClinVar (database versions not stated): gnomAD 0.00001; gnomAD exomes below 0.00001.
gnomAD v4.1: 7 of 1,242,934 alleles (0.00056%); highest among the groups gnomAD compares: African/African-American, 0.0016%; no homozygotes.

Submissions (3):

Labcorp Genetics (formerly Invitae), Labcorp
Classification: Uncertain significance. Last evaluated: 2025-11-23. Review status: criteria provided, single submitter. Criteria: Invitae Variant Classification Sherloc (09022015). Collection method: clinical testing. Allele origin: germline.
Comment: This sequence change replaces valine, which is neutral and non-polar, with methionine, which is neutral and non-polar, at codon 20 of the PACS2 protein (p.Val20Met). This variant is not present in population databases (gnomAD no frequency). This missense change has been observed in individual(s) with clinical features of PACS2-related conditions (PMID: 32725632; internal data). ClinVar contains an entry for this variant (Variation ID: 1029076). An algorithm developed to predict the effect of missense changes on protein structure and function (PolyPhen-2) suggests that this variant is likely to be disruptive. In summary, the available evidence is currently insufficient to determine the role of this variant in disease. Therefore, it has been classified as a Variant of Uncertain Significance.

Blueprint Genetics
Classification: Uncertain significance. Last evaluated: 2022-07-21. Review status: criteria provided, single submitter. Criteria: ACMG Guidelines, 2015. Collection method: clinical testing. Allele origin: germline.

Baylor Genetics
Classification: Uncertain significance for Developmental and epileptic encephalopathy, 66. Last evaluated: 2019-09-13. Review status: criteria provided, single submitter. Criteria: ACMG Guidelines, 2015. Collection method: clinical testing. Allele origin: unknown. Affected: yes.
Comment: This variant was determined to be of uncertain significance according to ACMG Guidelines, 2015 [PMID:25741868].

Literature cited by the submitters: PubMed 32725632 (cited by Labcorp Genetics (formerly Invitae), Labcorp).

NM_001100913.3(PACS2):c.58G>A (p.Val20Met)

Genes: BRF1 (BRF1 general transcription factor IIIB subunit; minus strand), PACS2 (phosphofurin acidic cluster sorting protein 2; plus strand), LOC130056677 (ATAC-STARR-seq lymphoblastoid silent region 6228; plus strand). Cytogenetic location: 14q32.33.
Variant type: single nucleotide variant.
Coding change: c.58G>A on transcript NM_001100913.3 (MANE Select); coding-DNA position 58, G replaced by A.
Protein change: p.Val20Met; replaces valine 20 with methionine.
Molecular consequence: missense variant. On other transcripts: intron variant (4).
Genome position (GRCh38, 1-based): chr14:105,314,976, G>A. VCF-style: chr14-105314976-G-A. GRCh37 (hg19) VCF-style: chr14-105781313-G-A.
Other names: c.58G>A, p.Val20Met (NM_015197.4); c.-162+346C>T (NM_001440451.1, NM_001242787.2, NM_001242786.2); c.-83+13997G>A (NM_001243127.3); short protein forms V20M.
Identifiers: ClinVar variation 1029076 (VCV001029076.7), dbSNP rs2058502984, ClinGen allele CA391191615.